The following is an entry in ClinVar:

NM_007294.4(BRCA1):c.5141T>G (p.Val1714Gly)

Gene: BRCA1 (BRCA1 DNA repair associated; minus strand). Cytogenetic location: 17q21.31.
Variant type: single nucleotide variant.
Coding change: c.5141T>G on transcript NM_007294.4 (MANE Select); coding-DNA position 5141, T replaced by G.
Protein change: p.Val1714Gly; replaces valine 1714 with glycine.
Molecular consequence: missense variant. On other transcripts: non-coding transcript variant (1).
Genome position (GRCh38, 1-based): chr17:43,063,885, A>C on the plus strand (T>G on the coding strand, the complement: BRCA1 is on the minus strand). VCF-style: chr17-43063885-A-C. GRCh37 (hg19) VCF-style: chr17-41215902-A-C.
Other names: c.5138T>G, p.Val1713Gly (NM_001407611.1, NM_001407612.1, NM_001407613.1 and 17 more transcripts); c.5135T>G, p.Val1712Gly (NM_001407630.1, NM_001407631.1, NM_001407632.1 and 14 more transcripts); c.4934T>G, p.Val1645Gly (NM_001407874.1, NM_001407875.1); c.4931T>G, p.Val1644Gly (NM_001407879.1, NM_001407881.1, NM_001407882.1 and 5 more transcripts); c.4874T>G, p.Val1625Gly (NM_001407929.1, NM_001407930.1, NM_001407931.1 and 4 more transcripts); c.4871T>G, p.Val1624Gly (NM_001407934.1, NM_001407935.1, NM_001407936.1); c.5018T>G, p.Val1673Gly (NM_001407937.1, NM_001407938.1, NM_001407919.1 and 6 more transcripts); c.1829T>G, p.Val610Gly (NM_001407990.1, NM_001407991.1, NM_001407992.1 and 13 more transcripts); and 71 more; short protein forms V1714G, V610G, V1667G, V1735G, V1603G, V1643G, V1644G, V1647G.
Identifiers: ClinVar variation 55413 (VCV000055413.20), dbSNP rs80357243, ClinGen allele CA003263.

ClinVar aggregate classification (germline): Pathogenic/Likely pathogenic. Review status: criteria provided, multiple submitters, no conflicts (2 of 4 stars). 6 submissions from 6 submitters: Pathogenic (2); Likely pathogenic (3). 1 of the submissions does not count toward it. Last evaluated 2024-03-17.

Conditions:
Breast neoplasm. Also called: Neoplasm of the breast; Neoplasm of breast; Breast tumor; Breast Neoplasms. Identifiers: MedGen C1458155, MeSH D001943, MONDO:0021100, HP:0100013. Disease mechanism: gain of function.
Hereditary cancer-predisposing syndrome. Also called: Hereditary Cancer Syndrome; Hereditary neoplastic syndrome; Neoplastic Syndromes, Hereditary; Tumor predisposition. Identifiers: Orphanet 140162, MedGen C0027672, MeSH D009386, MONDO:0015356.
Breast-ovarian cancer, familial, susceptibility to, 1 (BROVCA1). Also called: BRCA1 Hereditary Breast and Ovarian Cancer; OVARIAN CANCER, SUSCEPTIBILITY TO. Identifiers: Orphanet 145, MedGen C2676676, MONDO:0011450, OMIM 604370. Disease mechanism: loss of function.
Hereditary breast ovarian cancer syndrome. Also called: BRCA1- and BRCA2-Associated Hereditary Breast and Ovarian Cancer; Hereditary breast and ovarian cancer syndrome; Hereditary breast and ovarian cancer syndrome (HBOC); Breast and ovarian cancer; Hereditary breast and/or ovarian cancer syndrome; Hereditary breast and ovarian cancer. Identifiers: Orphanet 145, MedGen C0677776, MeSH D061325, MONDO:0003582. Disease mechanism: loss of function.

Allele frequency attached by ClinVar (database versions not stated): gnomAD exomes below 0.00001.
gnomAD v4.1: 1 of 1,613,028 alleles (0.000062%); highest among the groups gnomAD compares: Non-Finnish European, 0.000085%; no homozygotes.

Submissions (7):

Labcorp Genetics (formerly Invitae), Labcorp
Classification: Pathogenic for Hereditary breast ovarian cancer syndrome. Last evaluated: 2024-03-17. Review status: criteria provided, single submitter. Criteria: Invitae Variant Classification Sherloc (09022015). Collection method: clinical testing. Allele origin: germline.
Comment: This sequence change replaces valine, which is neutral and non-polar, with glycine, which is neutral and non-polar, at codon 1714 of the BRCA1 protein (p.Val1714Gly). RNA analysis indicates that this missense change induces altered splicing and may result in an absent or disrupted protein product. This variant is not present in population databases (gnomAD no frequency). This missense change has been observed in individual(s) with breast and/or ovarian cancer (PMID: 26344711, 29752822). It has also been observed to segregate with disease in related individuals. ClinVar contains an entry for this variant (Variation ID: 55413). Advanced modeling performed at Invitae incorporating data from internal and/or published experimental studies (PMID: 30209399) indicates that this missense variant is expected to disrupt BRCA1 function with a positive predictive value of 95%. Experimental studies have shown that this missense change affects BRCA1 function (PMID: 20516115, 28781887, 30209399). Studies have shown that this missense change results in activation of a cryptic splice site and introduces a premature termination codon (Invitae). The resulting mRNA is expected to undergo nonsense-mediated decay. For these reasons, this variant has been classified as Pathogenic.

Baylor Genetics
Classification: Likely pathogenic for Breast-ovarian cancer, familial, susceptibility to, 1. Last evaluated: 2022-06-14. Review status: criteria provided, single submitter. Criteria: ACMG Guidelines, 2015. Collection method: clinical testing. Allele origin: unknown.

Ambry Genetics
Classification: Pathogenic for Hereditary cancer-predisposing syndrome. Last evaluated: 2022-05-02. Review status: criteria provided, single submitter. Criteria: Ambry Variant Classification Scheme 2023. Collection method: clinical testing. Allele origin: germline.
Comment: The p.V1714G variant (also known as c.5141T>G), located in coding exon 16 of the BRCA1 gene, results from a T to G substitution at nucleotide position 5141. The valine at codon 1714 is replaced by glycine, an amino acid with dissimilar properties. In one functional study, this alteration, which is located in the BRCT domain of BRCA1, was shown to have a strong effect on protein function, including decreased transcriptional activity (<30% of WT), decreased stability (4% of WT), and decreased binding activity (13% of WT) (Lee MS et al. Cancer Res. 2010 Jun;70:4880-90). Another functional study found that this nucleotide substitution is non-functional in a high-throughput, genome editing, haploid cell survival assay (Findlay GM et al. Nature, 2018 10;562:217-222). Internal structural analysis suggest that this alteration will destabilize the overall folding of the BRCT1 domain of the BRCA1 protein (internal Ambry data). In a Chinese family, this variant co-segregated with disease in 5/5 relatives with breast and/or ovarian cancer but was not seen in two relatives with thymoma (Zhang X et al. Gene. 2015 Dec;573:333-7). This amino acid position is highly conserved in available vertebrate species. In addition, this alteration is predicted to be deleterious by in silico analysis. Based on the supporting evidence, this alteration is interpreted as a disease-causing mutation.

Laboratory for Molecular Medicine, Mass General Brigham Personalized Medicine
Classification: Likely pathogenic for Hereditary breast ovarian cancer syndrome. Last evaluated: 2019-10-14. Review status: criteria provided, single submitter. Criteria: ACMG Guidelines, 2015. Collection method: clinical testing. Allele origin: germline.
Comment: The p.Val1714Gly variant in BRCA1 has been reported in at least 3 individuals with hereditary breast and/or ovarian cancer (HBOC) and segregated with disease in 4 affected individuals from one family (Li 2018, Zhang 2015, BIC database). It was absent from large population studies. This variant has also been reported in ClinVar (Variation ID: 55413). Computational prediction tools and conservation analyses suggest that this variant may impact the protein, though this information is not predictive enough to determine pathogenicity. In vitro functional studies provide some evidence that this variant impacts protein function (Lee 2010, Findlay 2018, Woods 2016); however, these types of assays may not accurately represent biological function. In summary, although additional studies are required to fully establish its clinical significance, this variant meets criteria to be classified as likely pathogenic. ACMG/AMP Criteria applied: PM2, PS3_Moderate, PP1, PP3, PS4_Supporting.

3DMed Clinical Laboratory Inc
Classification: Likely pathogenic for Neoplasm of the breast. Last evaluated: 2017-05-25. Review status: criteria provided, single submitter. Criteria: ACMG Guidelines, 2015. Collection method: clinical testing. Allele origin: germline. Affected: yes.

Breast Cancer Information Core (BIC) (BRCA1)
Classification: Uncertain significance for Breast-ovarian cancer, familial 1. Last evaluated: 2004-11-25. Review status: no assertion criteria provided. Collection method: clinical testing. Allele origin: germline. Affected: yes. Observed: 1 variant allele. Not counted in ClinVar's aggregate classification.

Brotman Baty Institute, University of Washington
No classification provided (evidence only). Condition: Breast-ovarian cancer, familial 1. Review status: no classification provided. Collection method: in vitro. Allele origin: not applicable. Functional consequence: functionally_abnormal. Not counted in ClinVar's aggregate classification.
ClinVar note: "not provided" was previously submitted as the classification for the variant. However, the classification appeared to be based only on an observation of functional data so it was converted to no classification on 2025-07-30.

Literature cited by the submitters: PubMed 26344711 (cited by 4 submitters); PubMed 29752822 (cited by 3 submitters); PubMed 30209399 (cited by 3 submitters); PubMed 20516115 (cited by 4 submitters); PubMed 28781887 (cited by 3 submitters).